The following is an entry in ClinVar:

NM_000214.3(JAG1):c.3398C>G (p.Thr1133Arg)

Gene: JAG1 (jagged canonical Notch ligand 1; minus strand). Cytogenetic location: 20p12.2.
Variant type: single nucleotide variant.
Coding change: c.3398C>G on transcript NM_000214.3 (MANE Select); coding-DNA position 3398, C replaced by G.
Protein change: p.Thr1133Arg; replaces threonine 1133 with arginine.
Molecular consequence: missense variant.
Genome position (GRCh38, 1-based): chr20:10,639,757, G>C on the plus strand (C>G on the coding strand, the complement: JAG1 is on the minus strand). VCF-style: chr20-10639757-G-C. GRCh37 (hg19) VCF-style: chr20-10620405-G-C.
Other names: short protein forms T1133R.
Identifiers: ClinVar variation 4822430 (VCV004822430.4).

ClinVar aggregate classification (germline): Uncertain significance (1 of 4 stars; one submission).

Submission:

CeGaT Center for Human Genetics Tuebingen
Classification: Uncertain significance. Last evaluated: 2026-02-01. Review status: criteria provided, single submitter. Criteria: CeGaT Center For Human Genetics Tuebingen Variant Classification Criteria Version 2. Collection method: clinical testing. Allele origin: germline. Affected: yes. Observed: 1 variant allele.
Comment: JAG1: PM2